The following is an entry in ClinVar:

ClinVar aggregate classification (germline): Uncertain significance (1 of 4 stars; one submission).

Conditions:
Neurofibromatosis, type 1 (NF1). Also called: NEUROFIBROMATOSIS, TYPE I, SOMATIC; Neurofibromatosis, type I; Peripheral type neurofibromatosis; VON RECKLINGHAUSEN DISEASE. Identifiers: Orphanet 636, MedGen C0027831, MONDO:0018975, OMIM 162200. Disease mechanism: loss of function.

Submission:

Labcorp Genetics (formerly Invitae), Labcorp
Classification: Uncertain significance for Neurofibromatosis, type 1. Last evaluated: 2022-08-27. Review status: criteria provided, single submitter. Criteria: Invitae Variant Classification Sherloc (09022015). Collection method: clinical testing. Allele origin: germline.
Comment: In summary, the available evidence is currently insufficient to determine the role of this variant in disease. Therefore, it has been classified as a Variant of Uncertain Significance. Algorithms developed to predict the effect of sequence changes on RNA splicing suggest that this variant may disrupt the consensus splice site. This variant has not been reported in the literature in individuals affected with NF1-related conditions. This variant is not present in population databases (gnomAD no frequency). This sequence change falls in intron 51 of the NF1 gene. It does not directly change the encoded amino acid sequence of the NF1 protein.

NM_001042492.3(NF1):c.7739-11T>G

Gene: NF1 (neurofibromin 1; plus strand). Cytogenetic location: 17q11.2.
Variant type: single nucleotide variant.
Coding change: c.7739-11T>G on transcript NM_001042492.3 (MANE Select); 11 bases into the intron before coding-DNA position 7739, T replaced by G.
Molecular consequence: intron variant.
Genome position (GRCh38, 1-based): chr17:31,356,949, T>G. VCF-style: chr17-31356949-T-G. GRCh37 (hg19) VCF-style: chr17-29683967-T-G.
Other names: c.7676-11T>G (NM_000267.4).
Identifiers: ClinVar variation 2027446 (VCV002027446.4), dbSNP rs2151582100, ClinGen allele CA2580093446.